The following is an entry in ClinVar:

ClinVar aggregate classification (germline): Uncertain significance. Review status: criteria provided, multiple submitters, no conflicts (2 of 4 stars). 2 submissions from 2 submitters: Uncertain significance (2). Last evaluated 2025-12-08.

Conditions:
Inborn genetic diseases. Identifiers: MedGen C0950123, MeSH D030342.
Brachyolmia-amelogenesis imperfecta syndrome. Also called: PLATYSPONDYLY WITH AMELOGENESIS IMPERFECTA; Tooth agenesis, selective, 6; Dental anomalies and short stature. Identifiers: Orphanet 2899, MedGen C1832594, MONDO:0011018, OMIM 601216. Disease mechanism: loss of function.

Submissions (2):

Ambry Genetics
Classification: Uncertain significance for Inborn genetic diseases. Last evaluated: 2025-12-08. Review status: criteria provided, single submitter. Criteria: Ambry Variant Classification Scheme 2023. Collection method: clinical testing. Allele origin: germline.

Labcorp Genetics (formerly Invitae), Labcorp
Classification: Uncertain significance for Brachyolmia-amelogenesis imperfecta syndrome. Last evaluated: 2023-07-12. Review status: criteria provided, single submitter. Criteria: Invitae Variant Classification Sherloc (09022015). Collection method: clinical testing. Allele origin: germline.
Comment: This variant has not been reported in the literature in individuals affected with LTBP3-related conditions. This sequence change replaces glycine, which is neutral and non-polar, with alanine, which is neutral and non-polar, at codon 780 of the LTBP3 protein (p.Gly780Ala). This variant is not present in population databases (gnomAD no frequency). Algorithms developed to predict the effect of missense changes on protein structure and function output the following: SIFT: "Not Available"; PolyPhen-2: "Benign"; Align-GVGD: "Not Available". The alanine amino acid residue is found in multiple mammalian species, which suggests that this missense change does not adversely affect protein function. In summary, the available evidence is currently insufficient to determine the role of this variant in disease. Therefore, it has been classified as a Variant of Uncertain Significance.

NM_001130144.3(LTBP3):c.2339G>C (p.Gly780Ala)

Genes: LTBP3 (latent transforming growth factor beta binding protein 3; minus strand), LOC130006029 (ATAC-STARR-seq lymphoblastoid silent region 3532; plus strand). Cytogenetic location: 11q13.1.
Variant type: single nucleotide variant.
Coding change: c.2339G>C on transcript NM_001130144.3 (MANE Select); coding-DNA position 2339, G replaced by C.
Protein change: p.Gly780Ala; replaces glycine 780 with alanine.
Molecular consequence: missense variant.
Genome position (GRCh38, 1-based): chr11:65,546,456, C>G on the plus strand (G>C on the coding strand, the complement: LTBP3 is on the minus strand). VCF-style: chr11-65546456-C-G. GRCh37 (hg19) VCF-style: chr11-65313927-C-G.
Other names: c.1988G>C, p.Gly663Ala (NM_001164266.1); c.2339G>C, p.Gly780Ala (NM_021070.4); c.2339G>C (NM_001130144.2); short protein forms G663A, G780A.
Identifiers: ClinVar variation 2999132 (VCV002999132.4), dbSNP rs1344419395, ClinGen allele CA381269602.
Genomic context (GRCh38, chr11:65,546,456, plus strand): 5'-CGCGTAGGGGGCGGCGGAGGCCCGGGGCGGGGGTGCTGGCGCTCACCCAAGCAACTGCGG[C>G]CGTCGGGCGCGGGCGCGTAGCCCTGGGCACAGGTGCAGCGGAAGGAGCCCGGGAGGTTCT-3'
Protein context (NP_001123616.1, residues 770-790): CAQGYAPAPD[Gly780Ala]RSCLDVDECE